The following is an entry in ClinVar:

NM_004304.5(ALK):c.1911C>T (p.Thr637=)

Gene: ALK (ALK receptor tyrosine kinase; minus strand). Cytogenetic location: 2p23.2.
Variant type: single nucleotide variant.
Coding change: c.1911C>T on transcript NM_004304.5 (MANE Select); coding-DNA position 1911, C replaced by T.
Protein change: p.Thr637=; no amino-acid change (threonine 637 retained).
Molecular consequence: synonymous variant.
Genome position (GRCh38, 1-based): chr2:29,275,403, G>A on the plus strand (C>T on the coding strand, the complement: ALK is on the minus strand). VCF-style: chr2-29275403-G-A. GRCh37 (hg19) VCF-style: chr2-29498269-G-A.
Identifiers: ClinVar variation 538266 (VCV000538266.9), dbSNP rs1553402750, ClinGen allele CA425619483.

ClinVar aggregate classification (germline): Conflicting classifications of pathogenicity. Review status: criteria provided, conflicting classifications (1 of 4 stars). 2 submissions from 2 submitters: Uncertain significance (1); Likely benign (1). Last evaluated 2025-08-02.

Conditions:
Hereditary cancer-predisposing syndrome. Also called: Neoplastic Syndromes, Hereditary; Tumor predisposition; Hereditary Cancer Syndrome; Hereditary neoplastic syndrome. Identifiers: Orphanet 140162, MedGen C0027672, MeSH D009386, MONDO:0015356.
Neuroblastoma, susceptibility to, 3. Also called: ALK-Related Neuroblastic Tumor Susceptibility. Identifiers: Orphanet 635, MedGen C2751681, MONDO:0013083, OMIM 613014.

Allele frequency attached by ClinVar (database versions not stated): TOPMed below 0.00001.

Submissions (2):

Labcorp Genetics (formerly Invitae), Labcorp
Classification: Uncertain significance for Neuroblastoma, susceptibility to, 3. Last evaluated: 2025-08-02. Review status: criteria provided, single submitter. Criteria: Invitae Variant Classification Sherloc (09022015). Collection method: clinical testing. Allele origin: germline.
Comment: This sequence change affects codon 637 of the ALK mRNA. It is a 'silent' change, meaning that it does not change the encoded amino acid sequence of the ALK protein. It affects a nucleotide within the consensus splice site. This variant is not present in population databases (gnomAD no frequency). This variant has not been reported in the literature in individuals affected with ALK-related conditions. ClinVar contains an entry for this variant (Variation ID: 538266). Algorithms developed to predict the effect of sequence changes on RNA splicing suggest that this variant is not likely to affect RNA splicing. In summary, the available evidence is currently insufficient to determine the role of this variant in disease. Therefore, it has been classified as a Variant of Uncertain Significance.

Ambry Genetics
Classification: Likely benign for Hereditary cancer-predisposing syndrome. Last evaluated: 2022-04-23. Review status: criteria provided, single submitter. Criteria: Ambry Variant Classification Scheme 2023. Collection method: clinical testing. Allele origin: germline.